The following is an entry in ClinVar:

ClinVar aggregate classification (germline): Uncertain significance (1 of 4 stars; one submission).

Conditions:
Dystonia 12 (DYT12). Also called: DYT-ATP1A3; Rapid-Onset Dystonia-Parkinsonism (RDP). Identifiers: Orphanet 71517, MedGen C1868681, MONDO:0007496, OMIM 128235.

gnomAD v4.1: 1 of 1,612,930 alleles (0.000062%); highest among the groups gnomAD compares: Admixed American, 0.0017%; no homozygotes.

Submission:

Labcorp Genetics (formerly Invitae), Labcorp
Classification: Uncertain significance for Dystonia 12. Last evaluated: 2022-03-01. Review status: criteria provided, single submitter. Criteria: Invitae Variant Classification Sherloc (09022015). Collection method: clinical testing. Allele origin: germline.
Comment: In summary, the available evidence is currently insufficient to determine the role of this variant in disease. Therefore, it has been classified as a Variant of Uncertain Significance. Algorithms developed to predict the effect of sequence changes on RNA splicing suggest that this variant may disrupt the consensus splice site. This variant has not been reported in the literature in individuals affected with ATP1A3-related conditions. This variant is not present in population databases (gnomAD no frequency). This sequence change affects codon 860 of the ATP1A3 mRNA. It is a 'silent' change, meaning that it does not change the encoded amino acid sequence of the ATP1A3 protein.

NM_152296.5(ATP1A3):c.2580T>C (p.Phe860=)

Gene: ATP1A3 (ATPase Na+/K+ transporting subunit alpha 3; minus strand). Cytogenetic location: 19q13.2.
Variant type: single nucleotide variant.
Coding change: c.2580T>C on transcript NM_152296.5 (MANE Select); coding-DNA position 2580, T replaced by C.
Protein change: p.Phe860=; no amino-acid change (phenylalanine 860 retained).
Molecular consequence: synonymous variant.
Genome position (GRCh38, 1-based): chr19:41,969,543, A>G on the plus strand (T>C on the coding strand, the complement: ATP1A3 is on the minus strand). VCF-style: chr19-41969543-A-G. GRCh37 (hg19) VCF-style: chr19-42473695-A-G.
Other names: c.2613T>C, p.Phe871= (NM_001256213.2); c.2619T>C, p.Phe873= (NM_001256214.2).
Identifiers: ClinVar variation 1922376 (VCV001922376.5), dbSNP rs2514030075, ClinGen allele CA507582875.